The following is an entry in ClinVar:

ClinVar aggregate classification (germline): Conflicting classifications of pathogenicity. Review status: criteria provided, conflicting classifications (1 of 4 stars). 8 submissions from 8 submitters: Pathogenic (2); Likely pathogenic (2); Uncertain significance (1). 3 of the submissions do not count toward it. Last evaluated 2026-01-27.

Conditions:
BBS2-related disorder. Also called: BBS2-related condition; BBS2-related disorders. Identifiers: MedGen CN239228.
Retinitis pigmentosa 74 (RP74). Identifiers: Orphanet 791, MedGen C4225281, MONDO:0014692, OMIM 616562.
Bardet-Biedl syndrome (BBS). Identifiers: Orphanet 110, MedGen C0752166, MONDO:0015229.
Retinitis pigmentosa (RP). Identifiers: Orphanet 791, MedGen C0035334, MeSH D012174, MONDO:0019200, OMIM 268000. Inheritance: Autosomal dominant, autosomal recessive and X linked inheritance.
Bardet-Biedl syndrome 2 (BBS2). Identifiers: Orphanet 110, MedGen C2936863, MONDO:0014432, OMIM 615981.

Allele frequency attached by ClinVar (database versions not stated): gnomAD exomes below 0.00001 and 0.00001; TOPMed 0.00001.
gnomAD v4.1: 5 of 1,613,096 alleles (0.00031%); highest among the groups gnomAD compares: Admixed American, 0.0017%; no homozygotes.

Submissions (8):

Labcorp Genetics (formerly Invitae), Labcorp
Classification: Pathogenic for Bardet-Biedl syndrome. Last evaluated: 2026-01-27. Review status: criteria provided, single submitter. Criteria: Invitae Variant Classification Sherloc (09022015). Collection method: clinical testing. Allele origin: germline.
Comment: This sequence change replaces alanine, which is neutral and non-polar, with aspartic acid, which is acidic and polar, at codon 33 of the BBS2 protein (p.Ala33Asp). This variant is present in population databases (rs797045155, gnomAD 0.003%). This missense change has been observed in individual(s) with Bardet-Biedl syndrome and/or nonsyndromic retinitis pigmentosa (PMID: 25541840; internal data). In at least one individual the data is consistent with being in trans (on the opposite chromosome) from a pathogenic variant. It has also been observed to segregate with disease in related individuals. ClinVar contains an entry for this variant (Variation ID: 209042). Invitae Evidence Modeling of protein sequence and biophysical properties (such as structural, functional, and spatial information, amino acid conservation, physicochemical variation, residue mobility, and thermodynamic stability) indicates that this missense variant is expected to disrupt BBS2 protein function with a positive predictive value of 80%. For these reasons, this variant has been classified as Pathogenic.

Natera, Inc.
Classification: Likely pathogenic for Bardet-Biedl syndrome type 2. Last evaluated: 2025-09-17. Review status: criteria provided, single submitter. Criteria: Natera Variant Classification Schema (03/2026). Collection method: clinical testing. Allele origin: germline.
Comment: The c.98C>A variant in BBS2 is a missense variant predicted to cause substitution of alanine to aspartic acid at amino acid 33. This variant is rare in the general population with a frequency below the threshold expected for the associated phenotype(s). This variant has been observed in one or more individuals affected with the associated recessive disease, as either homozygous or compound heterozygous with a second variant (PMID: 25541840, 34008892). Additionally, this variant has been observed to segregate in affected family members (PMID: 25541840). Computational prediction algorithms indicate this variant is likely to affect gene or protein function. Given the available evidence, this variant is classified as Likely Pathogenic.

Blueprint Genetics
Classification: Pathogenic for BBS2-related disorders. Last evaluated: 2022-04-06. Review status: criteria provided, single submitter. Criteria: ACMG Guidelines, 2015. Collection method: clinical testing. Allele origin: germline. Affected: yes. Observed: 5 variant alleles.

Myriad Genetics, Inc.
Classification: Uncertain significance for Bardet-Biedl syndrome 2. Last evaluated: 2021-11-15. Review status: criteria provided, single submitter. Criteria: Myriad Women's Health Autosomal Recessive and X-Linked Classification Criteria (2021). Collection method: clinical testing. Allele origin: unknown.
Comment: NM_031885.3(BBS2):c.98C>A(A33D) is a missense variant classified as a variant of uncertain significance in the context of Bardet-Biedl syndrome, BBS2-related. A33D has not been observed in cases with relevant disease. Functional assessments of this variant are not available in the literature. A33D has been observed in population frequency databases (gnomAD: AMR 0.003%). In summary, there is insufficient evidence to classify NM_031885.3(BBS2):c.98C>A(A33D) as pathogenic or benign. Please note: this variant was assessed in the context of healthy population screening.

Laboratory of Medical Genetics, National & Kapodistrian University of Athens
Classification: Likely pathogenic for Bardet-Biedl syndrome 2. Last evaluated: 2021-10-01. Review status: criteria provided, single submitter. Criteria: ACMG Guidelines, 2015. Collection method: clinical testing. Allele origin: unknown. Affected: yes.
Comment: PM2, PP3, PP4, PP5

PreventionGenetics, part of Exact Sciences
Classification: Uncertain significance for BBS2-related condition. Last evaluated: 2024-02-01. Review status: no assertion criteria provided. Collection method: clinical testing. Allele origin: germline. Not counted in ClinVar's aggregate classification.
Comment: The BBS2 c.98C>A variant is predicted to result in the amino acid substitution p.Ala33Asp. This variant was reported in the compound heterozygous state in three siblings who presented with retinitis pigmentosa (Shevach et al. 2015. PubMed ID: 25541840). This variant was also described in the apparently homozygous state in at least two other individuals with retinitis pigmentosa or suspected Bardet-Biedl syndrome; however, additional clinical and familial details were not provided (Sharon et al. 2019. PubMed ID: 31456290, supplementary data; Marinakis et al. 2021. PubMed ID: 34008892). This variant is reported in 0.0029% of alleles in individuals of Latino descent in gnomAD. Although we suspect that this variant may be pathogenic, at this time, the clinical significance of this variant is uncertain due to the absence of conclusive functional and genetic evidence.

Sharon lab, Hadassah-Hebrew University Medical Center
Classification: Likely pathogenic for Retinitis pigmentosa. Last evaluated: 2019-06-23. Review status: no assertion criteria provided. Collection method: research. Allele origin: inherited. Affected: yes. Not counted in ClinVar's aggregate classification.

OMIM
Classification: Pathogenic for RETINITIS PIGMENTOSA 74. Last evaluated: 2015-03-01. Review status: no assertion criteria provided. Collection method: literature only. Allele origin: germline. Not counted in ClinVar's aggregate classification.

Literature cited by the submitters: PubMed 25541840 (cited by 3 submitters); PubMed 34008892 (cited by Natera, Inc. and Laboratory of Medical Genetics, National & Kapodistrian University of Athens).

NM_031885.5(BBS2):c.98C>A (p.Ala33Asp)

Gene: BBS2 (Bardet-Biedl syndrome 2; minus strand). Cytogenetic location: 16q13.
Variant type: single nucleotide variant.
Coding change: c.98C>A on transcript NM_031885.5 (MANE Select); coding-DNA position 98, C replaced by A.
Protein change: p.Ala33Asp; replaces alanine 33 with aspartic acid.
Molecular consequence: missense variant. On other transcripts: non-coding transcript variant (5).
Genome position (GRCh38, 1-based): chr16:56,519,765, G>T on the plus strand (C>A on the coding strand, the complement: BBS2 is on the minus strand). VCF-style: chr16-56519765-G-T. GRCh37 (hg19) VCF-style: chr16-56553677-G-T.
Other names: c.98C>A, p.Ala33Asp (NM_001377456.1); short protein forms A33D.
Identifiers: ClinVar variation 209042 (VCV000209042.18), dbSNP rs797045155, ClinGen allele CA204968.